The following is an entry in ClinVar:

NM_015466.4(PTPN23):c.4046A>T (p.His1349Leu)

Gene: PTPN23 (protein tyrosine phosphatase non-receptor type 23; plus strand). Cytogenetic location: 3p21.31.
Variant type: single nucleotide variant.
Coding change: c.4046A>T on transcript NM_015466.4 (MANE Select); coding-DNA position 4046, A replaced by T.
Protein change: p.His1349Leu; replaces histidine 1349 with leucine.
Molecular consequence: missense variant.
Genome position (GRCh38, 1-based): chr3:47,411,940, A>T. VCF-style: chr3-47411940-A-T. GRCh37 (hg19) VCF-style: chr3-47453430-A-T.
Other names: c.3668A>T, p.His1223Leu (NM_001304482.2); short protein forms H1223L, H1349L.
Identifiers: ClinVar variation 1432311 (VCV001432311.5), dbSNP rs1483600069, ClinGen allele CA352565057.
Genomic context (GRCh38, chr3:47,411,940, plus strand): 5'-ATGTGGAGCGCGTGCTGAGCCTGCAGTTCCGAGACCAGAGCCTCAAGCGCTCTCTTGTGC[A>T]CCTGCACTTCCCCACTTGGCCTGAGTTGTGAGTCCACTGCTCTGGATGGTGGTTGGGGGT-3'
Protein context (NP_056281.1, residues 1339-1359): RDQSLKRSLV[His1349Leu]LHFPTWPELG

ClinVar aggregate classification (germline): Uncertain significance (1 of 4 stars; one submission).

Allele frequency attached by ClinVar (database versions not stated): gnomAD exomes below 0.00001 and 0.00001.

Submission:

Labcorp Genetics (formerly Invitae), Labcorp
Classification: Uncertain significance. Last evaluated: 2023-10-03. Review status: criteria provided, single submitter. Criteria: Invitae Variant Classification Sherloc (09022015). Collection method: clinical testing. Allele origin: germline.
Comment: This sequence change replaces histidine, which is basic and polar, with leucine, which is neutral and non-polar, at codon 1349 of the PTPN23 protein (p.His1349Leu). This variant is present in population databases (no rsID available, gnomAD 0.007%). This variant has not been reported in the literature in individuals affected with PTPN23-related conditions. ClinVar contains an entry for this variant (Variation ID: 1432311). An algorithm developed to predict the effect of missense changes on protein structure and function (PolyPhen-2) suggests that this variant is likely to be disruptive. In summary, the available evidence is currently insufficient to determine the role of this variant in disease. Therefore, it has been classified as a Variant of Uncertain Significance.